The following is an entry in ClinVar:

ClinVar aggregate classification (germline): Uncertain significance (1 of 4 stars; one submission).

Allele frequency attached by ClinVar (database versions not stated): gnomAD 0.00003 and 0.00005; gnomAD exomes 0.00004 and 0.00007; TOPMed 0.00006; ExAC 0.00007; ESP Exome Variant Server 0.00008; 1000 Genomes Project 30x 0.00031; 1000 Genomes Project 0.00040.
gnomAD v4.1: 73 of 1,614,174 alleles (0.0045%); highest among the groups gnomAD compares: East Asian, 0.062%; no homozygotes.

Submission:

Labcorp Genetics (formerly Invitae), Labcorp
Classification: Uncertain significance. Last evaluated: 2022-10-24. Review status: criteria provided, single submitter. Criteria: Invitae Variant Classification Sherloc (09022015). Collection method: clinical testing. Allele origin: germline.
Comment: This sequence change replaces alanine, which is neutral and non-polar, with threonine, which is neutral and polar, at codon 479 of the EIF2B4 protein (p.Ala479Thr). This variant is present in population databases (rs145784671, gnomAD 0.03%). This variant has not been reported in the literature in individuals affected with EIF2B4-related conditions. ClinVar contains an entry for this variant (Variation ID: 1412312). Algorithms developed to predict the effect of missense changes on protein structure and function output the following: SIFT: "Tolerated"; PolyPhen-2: "Benign"; Align-GVGD: "Class C0". The threonine amino acid residue is found in multiple mammalian species, which suggests that this missense change does not adversely affect protein function. In summary, the available evidence is currently insufficient to determine the role of this variant in disease. Therefore, it has been classified as a Variant of Uncertain Significance.

NM_001034116.2(EIF2B4):c.1438G>A (p.Ala480Thr)

Genes: EIF2B4 (eukaryotic translation initiation factor 2B subunit delta; minus strand), GTF3C2-AS2 (GTF3C2 antisense RNA 2; plus strand). Cytogenetic location: 2p23.3.
Variant type: single nucleotide variant.
Coding change: c.1438G>A on transcript NM_001034116.2 (MANE Select); coding-DNA position 1438, G replaced by A.
Protein change: p.Ala480Thr; replaces alanine 480 with threonine.
Molecular consequence: missense variant.
Genome position (GRCh38, 1-based): chr2:27,364,534, C>T on the plus strand (G>A on the coding strand, the complement: EIF2B4 is on the minus strand). VCF-style: chr2-27364534-C-T. GRCh37 (hg19) VCF-style: chr2-27587401-C-T.
Other names: c.1501G>A, p.Ala501Thr (NM_001318965.2); c.1393G>A, p.Ala465Thr (NM_001318966.2); c.1345G>A, p.Ala449Thr (NM_001318967.2); c.853G>A, p.Ala285Thr (NM_001318968.2); c.820G>A, p.Ala274Thr (NM_001318969.2); c.1435G>A, p.Ala479Thr (NM_015636.4); c.1498G>A, p.Ala500Thr (NM_172195.4); short protein forms A274T, A285T, A479T, A449T, A500T, A480T, A465T, A501T.
Identifiers: ClinVar variation 1412312 (VCV001412312.5), dbSNP rs145784671, ClinGen allele CA1576571.